The following is an entry in ClinVar:

NM_001256007.3(PNPLA8):c.1271T>A (p.Val424Asp)

Gene: PNPLA8 (patatin like domain 8, phospholipase A2; minus strand). Cytogenetic location: 7q31.1.
Variant type: single nucleotide variant.
Coding change: c.1271T>A on transcript NM_001256007.3 (MANE Select); coding-DNA position 1271, T replaced by A.
Protein change: p.Val424Asp; replaces valine 424 with aspartic acid.
Molecular consequence: missense variant.
Genome position (GRCh38, 1-based): chr7:108,502,578, A>T on the plus strand (T>A on the coding strand, the complement: PNPLA8 is on the minus strand). VCF-style: chr7-108502578-A-T. GRCh37 (hg19) VCF-style: chr7-108143022-A-T.
Other names: c.1271T>A, p.Val424Asp (NM_001256008.3, NM_001256009.3, NM_015723.5); c.971T>A, p.Val324Asp (NM_001256010.3, NM_001256011.3); short protein forms V424D, V324D.
Identifiers: ClinVar variation 2091391 (VCV002091391.1), dbSNP rs1244851606, ClinGen allele CA368896994.

ClinVar aggregate classification (germline): Uncertain significance (1 of 4 stars; one submission).

Allele frequency attached by ClinVar (database versions not stated): TOPMed below 0.00001.
gnomAD v4.1: 1 of 1,612,428 alleles (0.000062%); no homozygotes.

Submission:

Labcorp Genetics (formerly Invitae), Labcorp
Classification: Uncertain significance. Last evaluated: 2022-02-01. Review status: criteria provided, single submitter. Criteria: Invitae Variant Classification Sherloc (09022015). Collection method: clinical testing. Allele origin: germline.
Comment: This sequence change replaces valine, which is neutral and non-polar, with aspartic acid, which is acidic and polar, at codon 424 of the PNPLA8 protein (p.Val424Asp). This variant is not present in population databases (gnomAD no frequency). This variant has not been reported in the literature in individuals affected with PNPLA8-related conditions. Algorithms developed to predict the effect of missense changes on protein structure and function are either unavailable or do not agree on the potential impact of this missense change (SIFT: "Deleterious"; PolyPhen-2: "Possibly Damaging"; Align-GVGD: "Class C0"). In summary, the available evidence is currently insufficient to determine the role of this variant in disease. Therefore, it has been classified as a Variant of Uncertain Significance.